The following is an entry in ClinVar:

ClinVar aggregate classification (germline): Uncertain significance (1 of 4 stars; one submission).

Conditions:
Cowden syndrome (CS). Also called: Cowden's disease; Cowden's syndrome; Cowden disease. Identifiers: Orphanet 201, MedGen C0018553, MONDO:0016063. Disease mechanism: gain of function.

Submission:

Labcorp Genetics (formerly Invitae), Labcorp
Classification: Uncertain significance for Cowden syndrome. Last evaluated: 2020-07-16. Review status: criteria provided, single submitter. Criteria: Invitae Variant Classification Sherloc (09022015). Collection method: clinical testing. Allele origin: germline.
Comment: In summary, the available evidence is currently insufficient to determine the role of this variant in disease. Therefore, it has been classified as a Variant of Uncertain Significance. This variant disrupts the p.His1047 amino acid residue in PIK3CA. Other variant(s) that disrupt this residue have been determined to be pathogenic (PMID: 25599672, 27631024, 28502725, 22658544, 23100325). This suggests that this residue is clinically significant, and that variants that disrupt this residue are likely to be disease-causing. Algorithms developed to predict the effect of missense changes on protein structure and function are either unavailable or do not agree on the potential impact of this missense change (SIFT: "Not Available"; PolyPhen-2: "Possibly Damaging"; Align-GVGD: "Not Available"). This variant has not been reported in the literature in individuals with PIK3CA-related conditions. This variant is not present in population databases (ExAC no frequency). This sequence change replaces histidine with isoleucine at codon 1047 of the PIK3CA protein (p.His1047Ile). The histidine residue is highly conserved and there is a moderate physicochemical difference between histidine and isoleucine.

Literature cited by the submitters: PubMed 25599672; PubMed 27631024; PubMed 28502725; PubMed 22658544; PubMed 23100325.

NM_006218.4(PIK3CA):c.3139_3140delinsAT (p.His1047Ile)

Gene: PIK3CA (phosphatidylinositol-4,5-bisphosphate 3-kinase catalytic subunit alpha; plus strand). Cytogenetic location: 3q26.32.
Variant type: Indel.
Coding change: c.3139_3140delinsAT on transcript NM_006218.4 (MANE Select); coding-DNA positions 3139 to 3140, CA replaced by AT.
Protein change: p.His1047Ile; replaces histidine 1047 with isoleucine.
Molecular consequence: missense variant.
Genome position (GRCh38, 1-based): chr3:179,234,296-179,234,297, CA replaced by AT. VCF-style: chr3-179234296-CA-AT. GRCh37 (hg19) VCF-style: chr3-178952084-CA-AT.
Other names: short protein forms H1047I.
Identifiers: ClinVar variation 1047316 (VCV001047316.7), dbSNP rs1725283257, ClinGen allele CA1423676455.
Genomic context (GRCh38, chr3:179,234,296, plus strand): 5'-GCCTTAGATAAAACTGAGCAAGAGGCTTTGGAGTATTTCATGAAACAAATGAATGATGCA[CA>AT]TCATGGTGGCTGGACAACAAAAATGGATTGGATCTTCCACACAATTAAACAGCATGCATT-3'
Protein context (NP_006209.2, residues 1037-1057): EYFMKQMNDA[His1047Ile]HGGWTTKMDW